The following is an entry in ClinVar:

ClinVar aggregate classification (germline): Likely benign. Review status: criteria provided, multiple submitters, no conflicts (2 of 4 stars). 3 submissions from 3 submitters: Likely benign (2). 1 of the submissions does not count toward it. Last evaluated 2026-01-19.

Conditions:
TRMT5-related disorder. Also called: TRMT5-related condition.

Allele frequency attached by ClinVar (database versions not stated): gnomAD 0.00004; TOPMed 0.00005; ESP Exome Variant Server 0.00008.
gnomAD v4.1: 164 of 1,614,122 alleles (0.01%); highest among the groups gnomAD compares: Non-Finnish European, 0.013%; no homozygotes.

Submissions (3):

Labcorp Genetics (formerly Invitae), Labcorp
Classification: Likely benign. Last evaluated: 2026-01-19. Review status: criteria provided, single submitter. Criteria: Invitae Variant Classification Sherloc (09022015). Collection method: clinical testing. Allele origin: germline.

CeGaT Center for Human Genetics Tuebingen
Classification: Likely benign. Last evaluated: 2022-12-01. Review status: criteria provided, single submitter. Criteria: CeGaT Center For Human Genetics Tuebingen Variant Classification Criteria Version 2. Collection method: clinical testing. Allele origin: germline. Affected: yes. Observed: 1 variant allele.
Comment: TRMT5: BP4, BP7

PreventionGenetics, part of Exact Sciences
Classification: Likely benign for TRMT5-related condition. Last evaluated: 2019-11-20. Review status: no assertion criteria provided. Collection method: clinical testing. Allele origin: germline. Not counted in ClinVar's aggregate classification.
Comment: This variant is classified as likely benign based on ACMG/AMP sequence variant interpretation guidelines (Richards et al. 2015 PMID: 25741868, with internal and published modifications).

NM_020810.3(TRMT5):c.888C>G (p.Leu296=)

Gene: TRMT5 (tRNA methyltransferase 5; minus strand). Cytogenetic location: 14q23.1.
Variant type: single nucleotide variant.
Coding change: c.888C>G on transcript NM_020810.3 (MANE Select); coding-DNA position 888, C replaced by G.
Protein change: p.Leu296=; no amino-acid change (leucine 296 retained).
Molecular consequence: synonymous variant.
Genome position (GRCh38, 1-based): chr14:60,976,031, G>C on the plus strand (C>G on the coding strand, the complement: TRMT5 is on the minus strand). VCF-style: chr14-60976031-G-C. GRCh37 (hg19) VCF-style: chr14-61442749-G-C.
Other names: c.972C>G, p.Leu324= (NM_001350253.1); c.969C>G, p.Leu323= (NM_001350254.1).
Identifiers: ClinVar variation 2644272 (VCV002644272.27), dbSNP rs372011452, ClinGen allele CA7213800.